The following is an entry in ClinVar:

ClinVar aggregate classification (germline): Uncertain significance. Review status: criteria provided, multiple submitters, no conflicts (2 of 4 stars). 2 submissions from 2 submitters: Uncertain significance (2). Last evaluated 2024-06-03.

Conditions:
Hereditary cancer-predisposing syndrome. Also called: Hereditary Cancer Syndrome; Tumor predisposition; Hereditary neoplastic syndrome; Neoplastic Syndromes, Hereditary. Identifiers: Orphanet 140162, MedGen C0027672, MeSH D009386, MONDO:0015356.

Submissions (2):

Labcorp Genetics (formerly Invitae), Labcorp
Classification: Uncertain significance. Last evaluated: 2024-06-03. Review status: criteria provided, single submitter. Criteria: Invitae Variant Classification Sherloc (09022015). Collection method: clinical testing. Allele origin: germline.
Comment: This sequence change replaces threonine, which is neutral and polar, with alanine, which is neutral and non-polar, at codon 745 of the POLE protein (p.Thr745Ala). This variant is not present in population databases (gnomAD no frequency). This variant has not been reported in the literature in individuals affected with POLE-related conditions. ClinVar contains an entry for this variant (Variation ID: 1417231). Advanced modeling of protein sequence and biophysical properties (such as structural, functional, and spatial information, amino acid conservation, physicochemical variation, residue mobility, and thermodynamic stability) performed at Invitae indicates that this missense variant is expected to disrupt POLE protein function with a positive predictive value of 80%. In summary, the available evidence is currently insufficient to determine the role of this variant in disease. Therefore, it has been classified as a Variant of Uncertain Significance.

Ambry Genetics
Classification: Uncertain significance for Hereditary cancer-predisposing syndrome. Last evaluated: 2022-11-04. Review status: criteria provided, single submitter. Criteria: Ambry Variant Classification Scheme 2023. Collection method: clinical testing. Allele origin: germline.
Comment: The p.T745A variant (also known as c.2233A>G), located in coding exon 20 of the POLE gene, results from an A to G substitution at nucleotide position 2233. The threonine at codon 745 is replaced by alanine, an amino acid with similar properties. This amino acid position is conserved. In addition, the in silico prediction for this alteration is inconclusive. Since supporting evidence is limited at this time, the clinical significance of this alteration remains unclear.

NM_006231.4(POLE):c.2233A>G (p.Thr745Ala)

Gene: POLE (DNA polymerase epsilon, catalytic subunit; minus strand). Cytogenetic location: 12q24.33.
Variant type: single nucleotide variant.
Coding change: c.2233A>G on transcript NM_006231.4 (MANE Select); coding-DNA position 2233, A replaced by G.
Protein change: p.Thr745Ala; replaces threonine 745 with alanine.
Molecular consequence: missense variant.
Genome position (GRCh38, 1-based): chr12:132,667,589, T>C on the plus strand (A>G on the coding strand, the complement: POLE is on the minus strand). VCF-style: chr12-132667589-T-C. GRCh37 (hg19) VCF-style: chr12-133244175-T-C.
Other names: c.2233A>G (NM_006231.2); short protein forms T745A.
Identifiers: ClinVar variation 1417231 (VCV001417231.9), dbSNP rs2042825443, ClinGen allele CA387352250.